The following is an entry in ClinVar:

NM_001303256.3(MORC2):c.325A>G (p.Met109Val)

Gene: MORC2 (MORC family CW-type zinc finger 2; minus strand). Cytogenetic location: 22q12.2.
Variant type: single nucleotide variant.
Coding change: c.325A>G on transcript NM_001303256.3 (MANE Select); coding-DNA position 325, A replaced by G.
Protein change: p.Met109Val; replaces methionine 109 with valine.
Molecular consequence: missense variant.
Genome position (GRCh38, 1-based): chr22:30,946,442, T>C on the plus strand (A>G on the coding strand, the complement: MORC2 is on the minus strand). VCF-style: chr22-30946442-T-C. GRCh37 (hg19) VCF-style: chr22-31342429-T-C.
Other names: c.325A>G (NM_001303256.2); c.325A>G, p.Met109Val (NM_001303257.2); c.139A>G, p.Met47Val (NM_014941.3); short protein forms M47V, M109V.
Identifiers: ClinVar variation 2153226 (VCV002153226.5), dbSNP rs141387374, ClinGen allele CA10187285.

ClinVar aggregate classification (germline): Uncertain significance. Review status: criteria provided, multiple submitters, no conflicts (2 of 4 stars). 2 submissions from 2 submitters: Uncertain significance (2). Last evaluated 2025-04-26.

Conditions:
Charcot-Marie-Tooth disease axonal type 2Z. Also called: CHARCOT-MARIE-TOOTH DISEASE, AXONAL, AUTOSOMAL DOMINANT, TYPE 2Z; CHARCOT-MARIE-TOOTH NEUROPATHY, TYPE 2Z. Identifiers: Orphanet 466768, MedGen C5569025, MONDO:0014736, OMIM 616688.

Allele frequency attached by ClinVar (database versions not stated): gnomAD exomes 0.00003; TOPMed 0.00003; ExAC 0.00005; gnomAD 0.00005; ESP Exome Variant Server 0.00008; 1000 Genomes Project 30x 0.00031; 1000 Genomes Project 0.00040.

Submissions (2):

Labcorp Genetics (formerly Invitae), Labcorp
Classification: Uncertain significance for Charcot-Marie-Tooth disease axonal type 2Z. Last evaluated: 2025-04-26. Review status: criteria provided, single submitter. Criteria: Invitae Variant Classification Sherloc (09022015). Collection method: clinical testing. Allele origin: germline.
Comment: This sequence change replaces methionine, which is neutral and non-polar, with valine, which is neutral and non-polar, at codon 109 of the MORC2 protein (p.Met109Val). The frequency data for this variant in the population databases is considered unreliable, as metrics indicate poor data quality at this position in the gnomAD database. This variant has not been reported in the literature in individuals affected with MORC2-related conditions. ClinVar contains an entry for this variant (Variation ID: 2153226). Invitae Evidence Modeling of protein sequence and biophysical properties (such as structural, functional, and spatial information, amino acid conservation, physicochemical variation, residue mobility, and thermodynamic stability) indicates that this missense variant is expected to disrupt MORC2 protein function with a positive predictive value of 95%. In summary, the available evidence is currently insufficient to determine the role of this variant in disease. Therefore, it has been classified as a Variant of Uncertain Significance.

GeneDx
Classification: Uncertain significance. Last evaluated: 2024-07-31. Review status: criteria provided, single submitter. Criteria: GeneDx Variant Classification Process June 2021. Collection method: clinical testing. Allele origin: germline. Affected: yes.
Comment: In silico analysis supports that this missense variant has a deleterious effect on protein structure/function; Has not been previously published as pathogenic or benign to our knowledge